The following is an entry in ClinVar:

NM_006767.4(LZTR1):c.322G>C (p.Ala108Pro)

Gene: LZTR1 (leucine zipper like post translational regulator 1; plus strand). Cytogenetic location: 22q11.21.
Variant type: single nucleotide variant.
Coding change: c.322G>C on transcript NM_006767.4 (MANE Select); coding-DNA position 322, G replaced by C.
Protein change: p.Ala108Pro; replaces alanine 108 with proline.
Molecular consequence: missense variant.
Genome position (GRCh38, 1-based): chr22:20,987,505, G>C. VCF-style: chr22-20987505-G-C. GRCh37 (hg19) VCF-style: chr22-21341794-G-C.
Other names: c.322G>C (NM_006767.3); short protein forms A108P.
Identifiers: ClinVar variation 3645032 (VCV003645032.3).

ClinVar aggregate classification (germline): Uncertain significance. Review status: criteria provided, multiple submitters, no conflicts (2 of 4 stars). 2 submissions from 2 submitters: Uncertain significance (2). Last evaluated 2026-07-23.

Conditions:
Hereditary cancer-predisposing syndrome. Also called: Tumor predisposition; Hereditary neoplastic syndrome; Hereditary Cancer Syndrome; Neoplastic Syndromes, Hereditary. Identifiers: Orphanet 140162, MedGen C0027672, MeSH D009386, MONDO:0015356.
Cardiovascular phenotype. Identifiers: MedGen CN230736.

Submissions (2):

Ambry Genetics
Classification: Uncertain significance for Cardiovascular phenotype; Hereditary cancer-predisposing syndrome. Last evaluated: 2026-07-23. Review status: criteria provided, single submitter. Criteria: Ambry Variant Classification Scheme 2023. Collection method: clinical testing. Allele origin: germline.
Comment: The p.A108P variant (also known as c.322G>C), located in coding exon 4 of the LZTR1 gene, results from a G to C substitution at nucleotide position 322. The alanine at codon 108 is replaced by proline, an amino acid with highly similar properties. This amino acid position is conserved. In addition, the in silico prediction for this alteration is inconclusive. Based on the available evidence, the clinical significance of this variant remains unclear.

Labcorp Genetics (formerly Invitae), Labcorp
Classification: Uncertain significance. Last evaluated: 2025-09-28. Review status: criteria provided, single submitter. Criteria: Invitae Variant Classification Sherloc (09022015). Collection method: clinical testing. Allele origin: germline.
Comment: This sequence change replaces alanine, which is neutral and non-polar, with proline, which is neutral and non-polar, at codon 108 of the LZTR1 protein (p.Ala108Pro). This variant is not present in population databases (gnomAD no frequency). This variant has not been reported in the literature in individuals affected with LZTR1-related conditions. ClinVar contains an entry for this variant (Variation ID: 3645032). An algorithm developed to predict the effect of missense changes on protein structure and function (PolyPhen-2) suggests that this variant is likely to be disruptive. In summary, the available evidence is currently insufficient to determine the role of this variant in disease. Therefore, it has been classified as a Variant of Uncertain Significance.